The following is an entry in ClinVar:

NM_023110.3(FGFR1):c.350A>G (p.Asn117Ser)

Gene: FGFR1 (fibroblast growth factor receptor 1; minus strand). Cytogenetic location: 8p11.23.
Variant type: single nucleotide variant.
Coding change: c.350A>G on transcript NM_023110.3 (MANE Select); coding-DNA position 350, A replaced by G.
Protein change: p.Asn117Ser; replaces asparagine 117 with serine.
Molecular consequence: missense variant. On other transcripts: intron variant (5).
Genome position (GRCh38, 1-based): chr8:38,429,690, T>C on the plus strand (A>G on the coding strand, the complement: FGFR1 is on the minus strand). VCF-style: chr8-38429690-T-C. GRCh37 (hg19) VCF-style: chr8-38287208-T-C.
Other names: c.350A>G, p.Asn117Ser (NM_001174063.2, NM_001174065.2, NM_001354367.2 and 2 more transcripts); c.326A>G, p.Asn109Ser (NM_001174064.2); c.449A>G, p.Asn150Ser (NM_001174067.2); c.92-1255A>G (NM_001354368.2, NM_001354370.2, NM_023106.3 and 2 more transcripts); short protein forms N109S, N117S, N150S.
Identifiers: ClinVar variation 665860 (VCV000665860.16), dbSNP rs780765366, ClinGen allele CA4718815.
Genomic context (GRCh38, chr8:38,429,690, plus strand): 5'-GGCTGGAGGGGGTGGGTCTAGGGAGGGGCAAGGGCAGGGCTTGGCTACCAACCTGAAACA[T>C]TGACGGAGAAGTAGGTGGTGTCACTGCCCGAGGGGCTGCTGGTTACGCAAGCATAGAGGC-3'
Protein context (NP_075598.2, residues 107-127): SGSDTTYFSV[Asn117Ser]VSDALPSSED

ClinVar aggregate classification (germline): Likely benign. Review status: criteria provided, multiple submitters, no conflicts (2 of 4 stars). 6 submissions from 6 submitters: Likely benign (6). Last evaluated 2026-06-18.

Conditions:
Hypogonadotropic hypogonadism 2 with or without anosmia (HH2). Also called: HYPOGONADOTROPIC HYPOGONADISM 2 WITHOUT ANOSMIA; HYPOGONADOTROPIC HYPOGONADISM 2 WITH OR WITHOUT ANOSMIA, SUSCEPTIBILITY TO; HYPOGONADOTROPIC HYPOGONADISM 2 WITHOUT ANOSMIA, SUSCEPTIBILITY TO; FGFR1-Related GnRH Deficiency (Kallmann Syndrome 2). Identifiers: Orphanet 478, MedGen C1563720, MONDO:0007844, OMIM 147950. Disease mechanism: loss of function.
Pfeiffer syndrome (ACS5). Also called: ACS V. Identifiers: Orphanet 710, MedGen C0220658, MONDO:0007043, OMIM 101600.
Inborn genetic diseases. Identifiers: MedGen C0950123, MeSH D030342.

Allele frequency attached by ClinVar (database versions not stated): gnomAD exomes 0.00001 and 0.00006; ExAC 0.00004; gnomAD 0.00005; TOPMed 0.00007.
gnomAD v4.1: 26 of 1,567,548 alleles (0.0017%); highest among the groups gnomAD compares: Admixed American, 0.038%; no homozygotes.

Submissions (6):

Women's Health and Genetics/Laboratory Corporation of America, LabCorp
Classification: Likely benign. Last evaluated: 2026-06-18. Review status: criteria provided, single submitter. Criteria: LabCorp Variant Classification Summary - May 2015. Collection method: clinical testing. Allele origin: germline.
Comment: Variant summary: FGFR1 c.350A>G (p.Asn117Ser) results in a conservative amino acid change in the encoded protein sequence. Algorithms developed to predict the effect of missense changes on protein structure and function are either unavailable or do not agree on the potential impact of this missense change. The variant allele was found at a frequency of 6.1e-05 in 179048 control chromosomes, predominantly at a frequency of 0.00037 within the Latino subpopulation in the gnomAD database. c.350A>G has been observed in individuals affected with FGFR1-related conditions without strong evidence of causality (e.g. Raivio_2009, Xu_2023). These reports do not provide unequivocal conclusions about association of the variant with disease. At least one publication reports experimental evidence evaluating an impact on protein function, however, does not allow convincing conclusions about the variant effect (Raivio_2009). The following publications have been ascertained in the context of this evaluation (PMID: 19820032, 37805574). ClinVar contains an entry for this variant (Variation ID: 665860). Based on the evidence outlined above, the variant was classified as likely benign.

Labcorp Genetics (formerly Invitae), Labcorp
Classification: Likely benign for Pfeiffer syndrome; Hypogonadotropic hypogonadism 2 with or without anosmia. Last evaluated: 2025-12-05. Review status: criteria provided, single submitter. Criteria: Invitae Variant Classification Sherloc (09022015). Collection method: clinical testing. Allele origin: germline.

Laboratory of Genetics, Children's Clinical University Hospital Latvia
Classification: Likely benign. Last evaluated: 2025-02-16. Review status: criteria provided, single submitter. Criteria: ACMG Guidelines, 2015. Collection method: clinical testing. Allele origin: germline. Affected: yes.

Reproductive Endocrine Unit, Massachusetts General Hospital
Classification: Likely benign for Hypogonadotropic hypogonadism 2 with or without anosmia. Last evaluated: 2023-05-04. Review status: criteria provided, single submitter. Criteria: ACMG Guidelines, 2015. Collection method: research. Allele origin: unknown. Affected: yes. Observed: 1 variant allele.

Ambry Genetics
Classification: Likely benign for Inborn genetic diseases. Last evaluated: 2021-10-15. Review status: criteria provided, single submitter. Criteria: Ambry Variant Classification Scheme 2023. Collection method: clinical testing. Allele origin: germline.

GeneDx
Classification: Likely benign. Last evaluated: 2021-06-14. Review status: criteria provided, single submitter. Criteria: GeneDx Variant Classification Process June 2021. Collection method: clinical testing. Allele origin: germline. Affected: yes.
Comment: This variant is associated with the following publications: (PMID: 20117945, 19820032, 23643382)

Literature cited by the submitters: PubMed 37805574 (cited by Women's Health and Genetics/Laboratory Corporation of America, LabCorp); PubMed 19820032 (cited by Women's Health and Genetics/Laboratory Corporation of America, LabCorp).